The following is an entry in ClinVar:

ClinVar aggregate classification (germline): Uncertain significance (1 of 4 stars; one submission).

Submission:

GeneDx
Classification: Uncertain significance. Last evaluated: 2025-06-05. Review status: criteria provided, single submitter. Criteria: GeneDx Variant Classification Process June 2021. Collection method: clinical testing. Allele origin: germline. Affected: yes.
Comment: Not observed at significant frequency in large population cohorts (gnomAD); In silico analysis supports that this missense variant has a deleterious effect on protein structure/function; Has not been previously published as pathogenic or benign to our knowledge

NM_001378477.3(NYX):c.833T>C (p.Leu278Pro)

Gene: NYX (nyctalopin; plus strand). Cytogenetic location: Xp11.4.
Variant type: single nucleotide variant.
Coding change: c.833T>C on transcript NM_001378477.3 (MANE Select); coding-DNA position 833, T replaced by C.
Protein change: p.Leu278Pro; replaces leucine 278 with proline.
Molecular consequence: missense variant.
Genome position (GRCh38, 1-based): chrX:41,474,301, T>C. VCF-style: chrX-41474301-T-C. GRCh37 (hg19) VCF-style: chrX-41333554-T-C.
Other names: c.833T>C, p.Leu278Pro (NM_022567.3); short protein forms L278P.
Identifiers: ClinVar variation 4536250 (VCV004536250.1).